The following is an entry in ClinVar:

ClinVar aggregate classification (germline): Uncertain significance (1 of 4 stars; one submission).

Conditions:
Multiple endocrine neoplasia, type 1 (MEN1). Also called: MEN I; WERMER SYNDROME; Endocrine adenomatosis multiple; MEN 1; MEA I. Identifiers: Orphanet 652, MedGen C0025267, MeSH D018761, MONDO:0007540, OMIM 131100.

Submission:

Labcorp Genetics (formerly Invitae), Labcorp
Classification: Uncertain significance for Multiple endocrine neoplasia, type 1. Last evaluated: 2025-10-15. Review status: criteria provided, single submitter. Criteria: Invitae Variant Classification Sherloc (09022015). Collection method: clinical testing. Allele origin: germline.
Comment: This sequence change replaces serine, which is neutral and polar, with cysteine, which is neutral and slightly polar, at codon 130 of the MEN1 protein (p.Ser130Cys). This variant is not present in population databases (gnomAD no frequency). This variant has not been reported in the literature in individuals affected with MEN1-related conditions. ClinVar contains an entry for this variant (Variation ID: 1477780). Invitae Evidence Modeling of protein sequence and biophysical properties (such as structural, functional, and spatial information, amino acid conservation, physicochemical variation, residue mobility, and thermodynamic stability) indicates that this missense variant is expected to disrupt MEN1 protein function with a positive predictive value of 95%. In summary, the available evidence is currently insufficient to determine the role of this variant in disease. Therefore, it has been classified as a Variant of Uncertain Significance.

NM_001370259.2(MEN1):c.388A>T (p.Ser130Cys)

Gene: MEN1 (menin 1; minus strand). Cytogenetic location: 11q13.1.
Variant type: single nucleotide variant.
Coding change: c.388A>T on transcript NM_001370259.2 (MANE Select); coding-DNA position 388, A replaced by T.
Protein change: p.Ser130Cys; replaces serine 130 with cysteine.
Molecular consequence: missense variant.
Genome position (GRCh38, 1-based): chr11:64,809,722, T>A on the plus strand (A>T on the coding strand, the complement: MEN1 is on the minus strand). VCF-style: chr11-64809722-T-A. GRCh37 (hg19) VCF-style: chr11-64577194-T-A.
Other names: c.388A>T, p.Ser130Cys (NM_000244.4, NM_001370251.2, NM_001370260.2 and 9 more transcripts); short protein forms S130C.
Identifiers: ClinVar variation 1477780 (VCV001477780.8), dbSNP rs2136180487, ClinGen allele CA381187265.